The following is an entry in ClinVar:

ClinVar aggregate classification (germline): Likely pathogenic (1 of 4 stars; one submission).

Conditions:
Retinitis pigmentosa 25 (RP25). Identifiers: Orphanet 791, MedGen C1864446, MONDO:0011272, OMIM 602772.

Submission:

SingHealth Duke-NUS Institute of Precision Medicine
Classification: Likely pathogenic for Retinitis pigmentosa 25. Last evaluated: 2025-02-05. Review status: criteria provided, single submitter. Criteria: PRISM ACMG Classification Criteria. Collection method: clinical testing. Allele origin: germline. Affected: yes.
Comment: Variant is predicted to cause nonsense-mediated decay in a gene where LOF is a known cause of pathogenicity (PVS1). Variant is not found in gnomAD exomes or genomes (PM2).

NM_001142800.2(EYS):c.4408del (p.Glu1470fs)

Gene: EYS (eyes shut homolog; minus strand). Cytogenetic location: 6q12.
Variant type: Deletion.
Coding change: c.4408del on transcript NM_001142800.2 (MANE Select); coding-DNA position 4408, one base deleted (G; older notation c.4408delG).
Protein change: p.Glu1470fs; shifts the reading frame from glutamic acid 1470.
Molecular consequence: frameshift variant.
Genome position (GRCh38, 1-based): chr6:64,591,459, C deleted on the plus strand (G on the coding strand, the reverse complement: EYS is on the minus strand). VCF-style (leftmost placement, unchanged base first): chr6-64591458-TC-T. GRCh37 (hg19) VCF-style: chr6-65301351-TC-T.
Other names: c.4408del, p.Glu1470fs (NM_001292009.2); short protein forms E1470fs.
Identifiers: ClinVar variation 3767373 (VCV003767373.1).